The following is an entry in ClinVar:

ClinVar aggregate classification (germline): Uncertain significance (1 of 4 stars; one submission).

Conditions:
Cholestanol storage disease (CTX). Also called: CEREBRAL CHOLESTERINOSIS; Cerebrotendinous Xanthomatosis; CTX: Cerebrotendinous xanthomatosis. Identifiers: Orphanet 909, MedGen C0238052, MONDO:0008948, OMIM 213700.

Allele frequency attached by ClinVar (database versions not stated): gnomAD exomes below 0.00001.
gnomAD v4.1: 1 of 1,614,218 alleles (0.000062%); highest among the groups gnomAD compares: Admixed American, 0.0017%; no homozygotes.

Submission:

Labcorp Genetics (formerly Invitae), Labcorp
Classification: Uncertain significance for Cholestanol storage disease. Last evaluated: 2023-05-10. Review status: criteria provided, single submitter. Criteria: Invitae Variant Classification Sherloc (09022015). Collection method: clinical testing. Allele origin: germline.
Comment: In summary, the available evidence is currently insufficient to determine the role of this variant in disease. Therefore, it has been classified as a Variant of Uncertain Significance. Advanced modeling of protein sequence and biophysical properties (such as structural, functional, and spatial information, amino acid conservation, physicochemical variation, residue mobility, and thermodynamic stability) performed at Invitae indicates that this missense variant is not expected to disrupt CYP27A1 protein function. ClinVar contains an entry for this variant (Variation ID: 1525944). This variant has not been reported in the literature in individuals affected with CYP27A1-related conditions. This variant is present in population databases (no rsID available, gnomAD 0.003%). This sequence change replaces histidine, which is basic and polar, with proline, which is neutral and non-polar, at codon 312 of the CYP27A1 protein (p.His312Pro).

NM_000784.4(CYP27A1):c.935A>C (p.His312Pro)

Gene: CYP27A1 (cytochrome P450 family 27 subfamily A member 1; plus strand). Cytogenetic location: 2q35.
Variant type: single nucleotide variant.
Coding change: c.935A>C on transcript NM_000784.4 (MANE Select); coding-DNA position 935, A replaced by C.
Protein change: p.His312Pro; replaces histidine 312 with proline.
Molecular consequence: missense variant.
Genome position (GRCh38, 1-based): chr2:218,813,014, A>C. VCF-style: chr2-218813014-A-C. GRCh37 (hg19) VCF-style: chr2-219677737-A-C.
Other names: short protein forms H312P.
Identifiers: ClinVar variation 1525944 (VCV001525944.8), dbSNP rs1275856308, ClinGen allele CA350588529.